The following is an entry in ClinVar:

NM_002485.5(NBN):c.493C>G (p.Leu165Val)

Gene: NBN (nibrin; minus strand). Cytogenetic location: 8q21.3.
Variant type: single nucleotide variant.
Coding change: c.493C>G on transcript NM_002485.5 (MANE Select); coding-DNA position 493, C replaced by G.
Protein change: p.Leu165Val; replaces leucine 165 with valine.
Molecular consequence: missense variant.
Genome position (GRCh38, 1-based): chr8:89,978,311, G>C on the plus strand (C>G on the coding strand, the complement: NBN is on the minus strand). VCF-style: chr8-89978311-G-C. GRCh37 (hg19) VCF-style: chr8-90990539-G-C.
Other names: c.247C>G, p.Leu83Val (NM_001024688.3, NM_001440379.1, NM_001440380.1); short protein forms L83V, L165V.
Identifiers: ClinVar variation 5025365 (VCV005025365.1).

ClinVar aggregate classification (germline): Uncertain significance (1 of 4 stars; one submission).

Conditions:
Hereditary cancer-predisposing syndrome. Also called: Neoplastic Syndromes, Hereditary; Tumor predisposition; Hereditary neoplastic syndrome; Hereditary Cancer Syndrome. Identifiers: Orphanet 140162, MedGen C0027672, MeSH D009386, MONDO:0015356.

Submission:

Ambry Genetics
Classification: Uncertain significance for Hereditary cancer-predisposing syndrome. Last evaluated: 2026-06-20. Review status: criteria provided, single submitter. Criteria: Ambry Variant Classification Scheme 2023. Collection method: clinical testing. Allele origin: germline.
Comment: The p.L165V variant (also known as c.493C>G), located in coding exon 5 of the NBN gene, results from a C to G substitution at nucleotide position 493. The leucine at codon 165 is replaced by valine, an amino acid with highly similar properties. This amino acid position is conserved. In addition, this alteration is predicted to be deleterious by in silico analysis. Based on the available evidence, the clinical significance of this variant remains unclear.